The following is an entry in ClinVar:

ClinVar aggregate classification (germline): Likely pathogenic. Review status: criteria provided, multiple submitters, no conflicts (2 of 4 stars). 2 submissions from 2 submitters: Likely pathogenic (2). Last evaluated 2026-04-01.

Conditions:
Roberts-SC phocomelia syndrome (RBS). Also called: Pseudothalidomide syndrome; Appelt-Gerken-Lenz syndrome; ESCO2 Spectrum Disorder; LONG BONE DEFICIENCIES ASSOCIATED WITH CLEFT LIP-PALATE; Hypomelia hypotrichosis facial hemangioma syndrome. Identifiers: Orphanet 3103, MedGen C0392475, MONDO:0100253, OMIM 268300.
Juberg-Hayward syndrome (JHS). Also called: Cleft lip/palate with abnormal thumbs and microcephaly; OROCRANIODIGITAL SYNDROME. Identifiers: Orphanet 2319, MedGen C0796099, MONDO:0008992, OMIM 216100.
ESCO2-related disorder. Also called: ESCO2-related condition.

Submissions (2):

PreventionGenetics, part of Exact Sciences
Classification: Likely pathogenic for ESCO2-related condition. Last evaluated: 2026-04-01. Review status: criteria provided, single submitter. Criteria: ACMG Guidelines, 2015. Collection method: clinical testing. Allele origin: germline.
Comment: The ESCO2 c.1006delT variant is predicted to result in a frameshift and premature protein termination (p.Ser336Glnfs*5). To our knowledge, this variant has not been reported in the literature or in a large population database (gnomAD), indicating this variant is rare. Frameshift variants in ESCO2 are expected to be pathogenic. This variant is interpreted as likely pathogenic.

Fulgent Genetics
Classification: Likely pathogenic for Juberg-Hayward syndrome; Roberts-SC phocomelia syndrome. Last evaluated: 2024-03-06. Review status: criteria provided, single submitter. Criteria: ACMG Guidelines, 2015. Collection method: clinical testing. Allele origin: germline.

NM_001017420.3(ESCO2):c.1006del (p.Ser336fs)

Gene: ESCO2 (establishment of sister chromatid cohesion N-acetyltransferase 2; plus strand). Cytogenetic location: 8p21.1.
Variant type: Deletion.
Coding change: c.1006del on transcript NM_001017420.3 (MANE Select); coding-DNA position 1006, one base deleted (T; older notation c.1006delT).
Protein change: p.Ser336fs; shifts the reading frame from serine 336.
Molecular consequence: frameshift variant.
Genome position (GRCh38, 1-based): chr8:27,784,050, T deleted; the last of 2 consecutive T bases (chr8:27,784,049-27,784,050); deleting either gives the same sequence. VCF-style (leftmost placement, unchanged base first): chr8-27784048-AT-A. GRCh37 (hg19) VCF-style: chr8-27641565-AT-A.
Other names: c.1006delT (NM_001017420.2); short protein forms S336fs.
Identifiers: ClinVar variation 3595502 (VCV003595502.2).